The following is an entry in ClinVar:

NM_000124.4(ERCC6):c.2925-2A>T

Gene: ERCC6 (ERCC excision repair 6, chromatin remodeling factor; minus strand). Cytogenetic location: 10q11.23.
Variant type: single nucleotide variant.
Coding change: c.2925-2A>T on transcript NM_000124.4 (MANE Select); the canonical splice acceptor site of the intron before coding-DNA position 2925, A replaced by T.
Molecular consequence: splice acceptor variant.
Genome position (GRCh38, 1-based): chr10:49,471,122, T>A on the plus strand (A>T on the coding strand, the complement: ERCC6 is on the minus strand). VCF-style: chr10-49471122-T-A. GRCh37 (hg19) VCF-style: chr10-50679168-T-A.
Other names: c.2925-2A>T (NM_001346440.2).
Identifiers: ClinVar variation 2698045 (VCV002698045.3), dbSNP rs2495975051, ClinGen allele CA376717931.

ClinVar aggregate classification (germline): Likely pathogenic (1 of 4 stars; one submission).

Submission:

Labcorp Genetics (formerly Invitae), Labcorp
Classification: Likely pathogenic. Last evaluated: 2023-11-25. Review status: criteria provided, single submitter. Criteria: Invitae Variant Classification Sherloc (09022015). Collection method: clinical testing. Allele origin: germline.
Comment: This sequence change affects an acceptor splice site in intron 16 of the ERCC6 gene. It is expected to disrupt RNA splicing. Variants that disrupt the donor or acceptor splice site typically lead to a loss of protein function (PMID: 16199547), and loss-of-function variants in ERCC6 are known to be pathogenic (PMID: 18628313, 29572252). This variant is not present in population databases (gnomAD no frequency). This variant has not been reported in the literature in individuals affected with ERCC6-related conditions. Algorithms developed to predict the effect of sequence changes on RNA splicing suggest that this variant may disrupt the consensus splice site. In summary, the currently available evidence indicates that the variant is pathogenic, but additional data are needed to prove that conclusively. Therefore, this variant has been classified as Likely Pathogenic.

Literature cited by the submitters: PubMed 16199547; PubMed 18628313; PubMed 29572252.